The following is an entry in ClinVar:

NM_177438.3(DICER1):c.4291G>T (p.Ala1431Ser)

Gene: DICER1 (dicer 1, ribonuclease III; minus strand). Cytogenetic location: 14q32.13.
Variant type: single nucleotide variant.
Coding change: c.4291G>T on transcript NM_177438.3 (MANE Select); coding-DNA position 4291, G replaced by T.
Protein change: p.Ala1431Ser; replaces alanine 1431 with serine.
Molecular consequence: missense variant.
Genome position (GRCh38, 1-based): chr14:95,096,629, C>A on the plus strand (G>T on the coding strand, the complement: DICER1 is on the minus strand). VCF-style: chr14-95096629-C-A. GRCh37 (hg19) VCF-style: chr14-95562966-C-A.
Other names: c.4291G>T, p.Ala1431Ser (NM_001195573.1, NM_001271282.3, NM_001291628.2 and 1 more transcripts); short protein forms A1431S.
Identifiers: ClinVar variation 945413 (VCV000945413.12), dbSNP rs1256249012, ClinGen allele CA390869501.

ClinVar aggregate classification (germline): Uncertain significance. Review status: criteria provided, multiple submitters, no conflicts (2 of 4 stars). 2 submissions from 2 submitters: Uncertain significance (2). Last evaluated 2023-12-31.

Conditions:
DICER1-related tumor predisposition. Also called: DICER1-related pleuropulmonary blastoma cancer predisposition syndrome; DICER1 syndrome. Identifiers: Orphanet 284343, MedGen C3839822, MONDO:0100216.
Hereditary cancer-predisposing syndrome. Also called: Neoplastic Syndromes, Hereditary; Hereditary neoplastic syndrome; Hereditary Cancer Syndrome; Tumor predisposition. Identifiers: Orphanet 140162, MedGen C0027672, MeSH D009386, MONDO:0015356.

Submissions (2):

Ambry Genetics
Classification: Uncertain significance for Hereditary cancer-predisposing syndrome. Last evaluated: 2023-12-31. Review status: criteria provided, single submitter. Criteria: Ambry Variant Classification Scheme 2023. Collection method: clinical testing. Allele origin: germline.
Comment: The p.A1431S variant (also known as c.4291G>T), located in coding exon 22 of the DICER1 gene, results from a G to T substitution at nucleotide position 4291. The alanine at codon 1431 is replaced by serine, an amino acid with similar properties. This amino acid position is conserved. In addition, this alteration is predicted to be tolerated by in silico analysis. Since supporting evidence is limited at this time, the clinical significance of this alteration remains unclear.

Labcorp Genetics (formerly Invitae), Labcorp
Classification: Uncertain significance for DICER1-related tumor predisposition. Last evaluated: 2019-06-17. Review status: criteria provided, single submitter. Criteria: Invitae Variant Classification Sherloc (09022015). Collection method: clinical testing. Allele origin: germline.
Comment: In summary, the available evidence is currently insufficient to determine the role of this variant in disease. Therefore, it has been classified as a Variant of Uncertain Significance. Algorithms developed to predict the effect of missense changes on protein structure and function (SIFT, PolyPhen-2, Align-GVGD) all suggest that this variant is likely to be tolerated, but these predictions have not been confirmed by published functional studies and their clinical significance is uncertain. This variant has not been reported in the literature in individuals with DICER1-related conditions. This variant is not present in population databases (ExAC no frequency). This sequence change replaces alanine with serine at codon 1431 of the DICER1 protein (p.Ala1431Ser). The alanine residue is weakly conserved and there is a moderate physicochemical difference between alanine and serine.